The following continues an entry in ClinVar:

NM_000277.3(PAH):c.158G>A (p.Arg53His)

Gene: PAH. ClinVar aggregate classification (germline): Uncertain significance. Uncertain significance (1).

Submissions 10 to 20 of 20:

Women's Health and Genetics/Laboratory Corporation of America, LabCorp
Classification: Benign. Last evaluated: 2022-02-24. Review status: criteria provided, single submitter. Criteria: LabCorp Variant Classification Summary - May 2015. Collection method: clinical testing. Allele origin: germline. Not counted in ClinVar's aggregate classification.
Comment: Variant summary: PAH c.158G>A (p.Arg53His) results in a non-conservative amino acid change located in the ACT domain (IPR002912) of the encoded protein sequence. Five of five in-silico tools predict a damaging effect of the variant on protein function. The variant allele was found at a frequency of 0.0017 in 251382 control chromosomes (gnomAD), predominantly at a frequency of 0.014 within the East Asian subpopulation in the gnomAD database, including 3 homozygotes. Ten homozygotes for c.158G>A have also been reported in individuals from the general Japanese population (Yamaguchi-Kabata_2019). The observed variant frequency within East Asian control individuals in the gnomAD database is approximately 1.8 fold of the estimated maximal expected allele frequency for a pathogenic variant in PAH causing Phenylalanine Hydroxylase Deficiency (Phenylketonuria) phenotype (0.0079), strongly suggesting that the variant is a benign polymorphism found primarily in populations of East Asian origin. c.158G>A has been reported in the literature in (mostly East Asian) individuals affected with Phenylalanine Hydroxylase Deficiency (Phenylketonuria) and hyperphenylalaninemia (HPA) without strong evidence for causality (e.g. Park_1998, Liang_2014, Tao_2015, Zong_2018, Kuznetkova_2019, Lin_2019, Su_2019), with one report showing no clinical symptoms or signs of disease in 6 compound heterozygous patients identified during newborn screening and 1 homozygous parent, all of whom had blood Phe within the normal range while on a normal diet (e.g. Choi_2017). In multiple patients, the variant was reported in cis with another variant cited as pathogenic in ClinVar (e.g. Tao_2015, Odagiri_2021). In addition, the variant has been reported to co-occur with other pathogenic variants in PAH in individuals with PKU or HPA who were genotyped as either homozygotes or compound heterozygotes for other pathogenic variants that would be likely to explain the phenotype (e.g. Su_2019, Odagiri_2021). At least one publication reports experimental evidence evaluating an impact on protein function, where the variant protein had 79% enzymatic activity relative to the wild type control (Liang_2014). Nine ClinVar submitters have assessed the variant since 2014: five have classified the variant as of uncertain significance, two as likely benign, and two as benign. Based on the evidence outlined above, the variant was classified as benign.

Genome-Nilou Lab
Classification: Uncertain significance for Phenylketonuria. Last evaluated: 2021-05-18. Review status: criteria provided, single submitter. Criteria: ACMG Guidelines, 2015. Collection method: clinical testing. Allele origin: germline. Affected: no. Not counted in ClinVar's aggregate classification.

Mendelics
Classification: Uncertain significance for Phenylketonuria. Last evaluated: 2019-05-28. Review status: criteria provided, single submitter. Criteria: Mendelics Assertion Criteria 2017. Collection method: clinical testing. Allele origin: unknown. Not counted in ClinVar's aggregate classification.

Illumina Laboratory Services, Illumina
Classification: Likely benign for Phenylketonuria. Last evaluated: 2017-04-27. Review status: criteria provided, single submitter. Criteria: ICSL Variant Classification Criteria 13 December 2019. Collection method: clinical testing. Allele origin: germline. Not counted in ClinVar's aggregate classification.
Comment: This variant was observed as part of a predisposition screen in an ostensibly healthy population. A literature search was performed for the gene, cDNA change, and amino acid change (where applicable). Publications were found based on this search. The evidence from the literature, in combination with allele frequency data from public databases where available, was sufficient to determine this variant is unlikely to cause disease. Therefore, this variant is classified as likely benign.

Soonchunhyang University Bucheon Hospital, Soonchunhyang University Medical Center
Classification: Uncertain significance for Phenylketonuria. Last evaluated: 2016-03-18. Review status: criteria provided, single submitter. Criteria: ACMG Guidelines, 2015. Collection method: reference population. Allele origin: germline. Observed: 3 variant alleles. Not counted in ClinVar's aggregate classification.

Clinical Genetics Service, Universitary Hospital 12 de Octubre
Classification: Likely pathogenic for Phenylketonuria. Review status: criteria provided, single submitter. Criteria: ACMG Guidelines, 2015. Collection method: clinical testing. Allele origin: germline. Affected: yes. Not counted in ClinVar's aggregate classification.

Juno Genomics, Hangzhou Juno Genomics, Inc
Classification: Uncertain significance for Phenylketonuria. Review status: criteria provided, single submitter. Criteria: ACMG Guidelines, 2015. Collection method: clinical testing. Allele origin: germline. Affected: yes. Not counted in ClinVar's aggregate classification.
Comment: Allele frequency is greater than expected for disorder.;For recessive disorders, detected in trans with a pathogenic variant.;Patient's phenotype or family history is highly specific for a disease with a single genetic etiology.

Natera, Inc.
Classification: Benign for Phenylketonuria. Last evaluated: 2020-01-06. Review status: no assertion criteria provided. Collection method: clinical testing. Allele origin: germline. Not counted in ClinVar's aggregate classification.

SingHealth Duke-NUS Institute of Precision Medicine
Classification: Likely benign for Phenylketonuria. Last evaluated: 2017-06-07. Review status: no assertion criteria provided. Collection method: curation. Allele origin: germline. Affected: no. Not counted in ClinVar's aggregate classification.

DeBelle Laboratory for Biochemical Genetics, MUHC/MCH RESEARCH INSTITUTE
No classification provided. Review status: no classification provided. Collection method: not provided. Allele origin: not provided. Not counted in ClinVar's aggregate classification.

Neonatal Disease Screening Center, Medical Genetics Center, Huaihua City Maternal and Child Health Care Hospital
Classification: Uncertain significance for Phenylketonuria. Review status: no assertion criteria provided. Criteria: ACMG Guidelines, 2015. Collection method: clinical testing. Allele origin: germline. Affected: yes. Observed: 2 variant alleles. Not counted in ClinVar's aggregate classification.
Comment: PM3_VS+PP3+PP4+BS1

Literature cited by the submitters: PubMed 24401910 (cited by ClinGen PAH Variant Curation Expert Panel and Women's Health and Genetics/Laboratory Corporation of America, LabCorp); PubMed 32893076 (cited by Kasturba Medical College, Manipal, Kasturba Medical College, Manipal, Manipal Academy of Higher Education, Manipal, India and Women's Health and Genetics/Laboratory Corporation of America, LabCorp); PubMed 30747360 (cited by Kasturba Medical College, Manipal, Kasturba Medical College, Manipal, Manipal Academy of Higher Education, Manipal, India and Women's Health and Genetics/Laboratory Corporation of America, LabCorp); PubMed 9452061 (cited by 3 submitters); PubMed 26322415 (cited by Women's Health and Genetics/Laboratory Corporation of America, LabCorp); PubMed 26666653 (cited by Women's Health and Genetics/Laboratory Corporation of America, LabCorp); PubMed 29653233 (cited by Women's Health and Genetics/Laboratory Corporation of America, LabCorp); PubMed 31332730 (cited by Women's Health and Genetics/Laboratory Corporation of America, LabCorp); PubMed 30904546 (cited by Women's Health and Genetics/Laboratory Corporation of America, LabCorp); PubMed 31355225 (cited by Women's Health and Genetics/Laboratory Corporation of America, LabCorp); PubMed 30887117 (cited by Women's Health and Genetics/Laboratory Corporation of America, LabCorp); PubMed 30838026 (cited by Women's Health and Genetics/Laboratory Corporation of America, LabCorp); PubMed 29032371 (cited by Women's Health and Genetics/Laboratory Corporation of America, LabCorp); PubMed 33465300 (cited by Women's Health and Genetics/Laboratory Corporation of America, LabCorp); PubMed 33803550 (cited by Women's Health and Genetics/Laboratory Corporation of America, LabCorp); PubMed 19915519 (cited by Illumina Laboratory Services, Illumina); PubMed 16253218 (cited by Illumina Laboratory Services, Illumina); PubMed 15503242 (cited by Illumina Laboratory Services, Illumina); PubMed 16256386 (cited by Illumina Laboratory Services, Illumina); PubMed 18294361 (cited by Illumina Laboratory Services, Illumina); PubMed 12655553 (cited by Illumina Laboratory Services, Illumina).